The following is an entry in ClinVar:

NM_002291.3(LAMB1):c.973G>A (p.Glu325Lys)

Gene: LAMB1 (laminin subunit beta 1; minus strand). Cytogenetic location: 7q31.1.
Variant type: single nucleotide variant.
Coding change: c.973G>A on transcript NM_002291.3 (MANE Select); coding-DNA position 973, G replaced by A.
Protein change: p.Glu325Lys; replaces glutamic acid 325 with lysine.
Molecular consequence: missense variant.
Genome position (GRCh38, 1-based): chr7:107,978,074, C>T on the plus strand (G>A on the coding strand, the complement: LAMB1 is on the minus strand). VCF-style: chr7-107978074-C-T. GRCh37 (hg19) VCF-style: chr7-107618519-C-T.
Other names: short protein forms E325K.
Identifiers: ClinVar variation 1967064 (VCV001967064.5), dbSNP rs748342153, ClinGen allele CA4436145.

ClinVar aggregate classification (germline): Uncertain significance (1 of 4 stars; one submission).

Allele frequency attached by ClinVar (database versions not stated): gnomAD exomes below 0.00001; TOPMed below 0.00001; ExAC 0.00001.
gnomAD v4.1: 2 of 1,614,178 alleles (0.00012%); highest among the groups gnomAD compares: Admixed American, 0.0033%; no homozygotes.

Submission:

Labcorp Genetics (formerly Invitae), Labcorp
Classification: Uncertain significance. Last evaluated: 2022-06-14. Review status: criteria provided, single submitter. Criteria: Invitae Variant Classification Sherloc (09022015). Collection method: clinical testing. Allele origin: germline.
Comment: In summary, the available evidence is currently insufficient to determine the role of this variant in disease. Therefore, it has been classified as a Variant of Uncertain Significance. Algorithms developed to predict the effect of missense changes on protein structure and function (SIFT, PolyPhen-2, Align-GVGD) all suggest that this variant is likely to be disruptive. This variant has not been reported in the literature in individuals affected with LAMB1-related conditions. This variant is present in population databases (rs748342153, gnomAD 0.006%). This sequence change replaces glutamic acid, which is acidic and polar, with lysine, which is basic and polar, at codon 325 of the LAMB1 protein (p.Glu325Lys).